The following is an entry in ClinVar:

ClinVar aggregate classification (germline): Pathogenic/Likely pathogenic. Review status: criteria provided, multiple submitters, no conflicts (2 of 4 stars). 3 submissions from 3 submitters: Pathogenic (2); Likely pathogenic (1). Last evaluated 2025-11-13.

Conditions:
Autosomal recessive nonsyndromic hearing loss 4 (DFNB4). Also called: Deafness, autosomal recessive 4; Enlarged vestibular aqueduct, digenic; Deafness, autosomal recessive 4, with enlarged vestibular aqueduct; Nonsyndromic enlarged vestibular aqueduct (NSEVA); NEUROSENSORY NONSYNDROMIC RECESSIVE DEAFNESS 4; FOXI1-Related Pendred Syndrome. Identifiers: Orphanet 90636, MedGen C3538946, MONDO:0010933, OMIM 600791.
Pendred syndrome (PDS). Also called: Pendred's syndrome; Pendred Syndrome (PDS); DEAFNESS WITH GOITER; GOITER-DEAFNESS SYNDROME; HYPOTHYROIDISM, CONGENITAL, DUE TO DYSHORMONOGENESIS, 2B; THYROID DYSHORMONOGENESIS 2B. Identifiers: Orphanet 705, MedGen C0271829, MONDO:0010134, OMIM 274600.

gnomAD v4.1: 2 of 1,614,054 alleles (0.00012%); highest among the groups gnomAD compares: Non-Finnish European, 0.00017%; no homozygotes.

Submissions (3):

Women's Health and Genetics/Laboratory Corporation of America, LabCorp
Classification: Pathogenic for Pendred syndrome. Last evaluated: 2025-11-13. Review status: criteria provided, single submitter. Criteria: LabCorp Variant Classification Summary - May 2015. Collection method: clinical testing. Allele origin: germline.
Comment: Variant summary: SLC26A4 c.626G>A (p.Gly209Glu) results in a non-conservative amino acid change in the encoded protein sequence. Algorithms developed to predict the effect of missense changes on protein structure and function all suggest that this variant is likely to be disruptive. The variant was absent in 251470 control chromosomes. c.626G>A has been observed in a family affected with hearing loss (Wang_2007). These data indicate that the variant is likely to be associated with disease. A different variant affecting the same codon has been classified as pathogenic by our lab (c.626G>T, p.Gly209Val), supporting the critical relevance of codon 209 to SLC26A4 protein function. To our knowledge, no experimental evidence demonstrating an impact on protein function has been reported. The following publication has been ascertained in the context of this evaluation (PMID: 38348997). ClinVar contains an entry for this variant (Variation ID: 2735064). Based on the evidence outlined above, the variant was classified as pathogenic.

Labcorp Genetics (formerly Invitae), Labcorp
Classification: Pathogenic. Last evaluated: 2023-07-16. Review status: criteria provided, single submitter. Criteria: Invitae Variant Classification Sherloc (09022015). Collection method: clinical testing. Allele origin: germline.
Comment: This sequence change replaces glycine, which is neutral and non-polar, with glutamic acid, which is acidic and polar, at codon 209 of the SLC26A4 protein (p.Gly209Glu). For these reasons, this variant has been classified as Pathogenic. This variant disrupts the p.Gly209 amino acid residue in SLC26A4. Other variant(s) that disrupt this residue have been determined to be pathogenic (PMID: 11317356, 11932316, 16570074, 24224479). This suggests that this residue is clinically significant, and that variants that disrupt this residue are likely to be disease-causing. Advanced modeling of protein sequence and biophysical properties (such as structural, functional, and spatial information, amino acid conservation, physicochemical variation, residue mobility, and thermodynamic stability) performed at Invitae indicates that this missense variant is expected to disrupt SLC26A4 protein function. This missense change has been observed in individual(s) with clinical features of Pendred syndrome (PMID: 17718863). This variant is not present in population databases (gnomAD no frequency).

Juno Genomics, Hangzhou Juno Genomics, Inc
Classification: Likely pathogenic for Autosomal recessive nonsyndromic hearing loss 4; Pendred syndrome. Review status: criteria provided, single submitter. Criteria: ACMG Guidelines, 2015. Collection method: clinical testing. Allele origin: germline. Affected: yes.
Comment: Absent from controls (or at extremely low frequency if recessive) in Genome Aggregation Database, Exome Sequencing Project, 1000 Genomes Project, or Exome Aggregation Consortium.;For recessive disorders, detected in trans with a pathogenic variant.;Novel missense change at an amino acid residue where a different missense change determined to be pathogenic has been seen before.;Multiple lines of computational evidence support a deleterious effect on the gene or gene product (conservation, evolutionary, splicing impact, etc).;Co-segregation with disease in multiple affected family members in a gene definitively known to cause the disease.

Literature cited by the submitters: PubMed 38348997 (cited by Women's Health and Genetics/Laboratory Corporation of America, LabCorp); PubMed 11317356 (cited by Labcorp Genetics (formerly Invitae), Labcorp); PubMed 11932316 (cited by Labcorp Genetics (formerly Invitae), Labcorp); PubMed 16570074 (cited by Labcorp Genetics (formerly Invitae), Labcorp); PubMed 24224479 (cited by Labcorp Genetics (formerly Invitae), Labcorp); PubMed 17718863 (cited by Labcorp Genetics (formerly Invitae), Labcorp).

NM_000441.2(SLC26A4):c.626G>A (p.Gly209Glu)

Gene: SLC26A4 (solute carrier family 26 member 4; plus strand). Cytogenetic location: 7q22.3.
Variant type: single nucleotide variant.
Coding change: c.626G>A on transcript NM_000441.2 (MANE Select); coding-DNA position 626, G replaced by A.
Protein change: p.Gly209Glu; replaces glycine 209 with glutamic acid.
Molecular consequence: missense variant.
Genome position (GRCh38, 1-based): chr7:107,674,970, G>A. VCF-style: chr7-107674970-G-A. GRCh37 (hg19) VCF-style: chr7-107315415-G-A.
Other names: short protein forms G209E.
Identifiers: ClinVar variation 2735064 (VCV002735064.6), dbSNP rs111033303, ClinGen allele CA368831124.